The following is an entry in ClinVar:

ClinVar aggregate classification (germline): Uncertain significance (1 of 4 stars; one submission).

Submission:

Dasa
Classification: Uncertain significance. Last evaluated: 2025-09-05. Review status: criteria provided, single submitter. Criteria: DASA Assertion Criteria. Collection method: clinical testing. Allele origin: germline.
Comment: NM_001378183.1(PIEZO2):c.5431A>G (p.Thr1811Ala) is a missense variant that results in the substitution of threonine with alanine. This variant is absent from population databases. The currently available literature and clinical evidence are not sufficient to establish a definitive association between this variant and the reported condition. Therefore, this variant is classified as a variant of uncertain significance.

NM_001378183.1(PIEZO2):c.5431A>G (p.Thr1811Ala)

Gene: PIEZO2 (piezo type mechanosensitive ion channel component 2; minus strand). Cytogenetic location: 18p11.22.
Variant type: single nucleotide variant.
Coding change: c.5431A>G on transcript NM_001378183.1 (MANE Select); coding-DNA position 5431, A replaced by G.
Protein change: p.Thr1811Ala; replaces threonine 1811 with alanine.
Molecular consequence: missense variant. On other transcripts: intron variant (2).
Genome position (GRCh38, 1-based): chr18:10,708,432, T>C on the plus strand (A>G on the coding strand, the complement: PIEZO2 is on the minus strand). VCF-style: chr18-10708432-T-C. GRCh37 (hg19) VCF-style: chr18-10708430-T-C.
Other names: c.5250-2686A>G (NM_022068.4); c.5325-2686A>G (NM_001410871.1); short protein forms T1811A.
Identifiers: ClinVar variation 4886064 (VCV004886064.2).
Genomic context (GRCh38, chr18:10,708,432, plus strand): 5'-TTTCTTGTCCATCTAAATCATCAAGGGTGGACTGCCTTGAGAACAGCATGGTTGCTTCAG[T>C]GTAGCAGCTAGCAGCGCAAACAGTTACAGAAACACAGTGTTAAAACACCAAGTTGTACAC-3'
Protein context (NP_001365112.1, residues 1801-1821): DSHDSISSCY[Thr1811Ala]EATMLFSRQS